The following is an entry in ClinVar:

NM_000051.4(ATM):c.5762+1G>A

Gene: ATM (ATM serine/threonine kinase; plus strand). Cytogenetic location: 11q22.3.
Variant type: single nucleotide variant.
Coding change: c.5762+1G>A on transcript NM_000051.4 (MANE Select); the canonical splice donor site of the intron after coding-DNA position 5762, G replaced by A.
Molecular consequence: splice donor variant.
Genome position (GRCh38, 1-based): chr11:108,307,985, G>A. VCF-style: chr11-108307985-G-A. GRCh37 (hg19) VCF-style: chr11-108178712-G-A.
Other names: c.5762+1G>A (NM_001351834.2).
Identifiers: ClinVar variation 481271 (VCV000481271.23), dbSNP rs869312756, ClinGen allele CA382548029.
Genomic context (GRCh38, chr11:108,307,985, plus strand): 5'-GGATAAAAAATCACAAAGAACAATGCTTGCTGTTGTGGACTACATGAGAAGACAAAAGAG[G>A]TAATGTAATGAGTGTTGCTTCTTACGTTTAGGATCTAGAGTGTAACTTGTTAACTATCGG-3'

ClinVar aggregate classification (germline): Pathogenic/Likely pathogenic. Review status: criteria provided, multiple submitters, no conflicts (2 of 4 stars). 9 submissions from 9 submitters: Pathogenic (3); Likely pathogenic (6). Last evaluated 2025-09-19.

Conditions:
Ataxia-telangiectasia syndrome (AT). Also called: LOUIS-BAR SYNDROME; Cerebello-oculocutaneous telangiectasia; Immunodeficiency with ataxia telangiectasia; AT, COMPLEMENTATION GROUP C; Ataxia-telangiectasia, complementation group D; ATAXIA-TELANGIECTASIA, COMPLEMENTATION GROUP A. Identifiers: Orphanet 100, MedGen C0004135, MONDO:0008840, OMIM 208900.
Familial cancer of breast. Also called: BREAST CANCER, FAMILIAL; Hereditary breast cancer; hereditary breast carcinoma. Identifiers: Orphanet 227535, MedGen C0346153, MONDO:0016419, OMIM 114480. Disease mechanism: loss of function.
Hereditary cancer-predisposing syndrome. Also called: Hereditary neoplastic syndrome; Neoplastic Syndromes, Hereditary; Tumor predisposition; Hereditary Cancer Syndrome. Identifiers: Orphanet 140162, MedGen C0027672, MeSH D009386, MONDO:0015356.

Submissions (9):

Quest Diagnostics Nichols Institute San Juan Capistrano
Classification: Pathogenic. Last evaluated: 2025-09-19. Review status: criteria provided, single submitter. Criteria: Quest Diagnostics criteria. Collection method: clinical testing. Allele origin: unknown.
Comment: The ATM c.5762+1G>A variant disrupts a canonical splice-donor site and is predicted to interfere with normal ATM mRNA splicing. This variant has been reported in the published literature in an individual with prostate cancer (PMID: 32923906 (2020)). This variant has not been reported in large, multi-ethnic general populations (Genome Aggregation Database). Based on the available information, this variant is classified as pathogenic.

Labcorp Genetics (formerly Invitae), Labcorp
Classification: Pathogenic for Ataxia-telangiectasia syndrome. Last evaluated: 2025-08-25. Review status: criteria provided, single submitter. Criteria: Invitae Variant Classification Sherloc (09022015). Collection method: clinical testing. Allele origin: germline.
Comment: This sequence change affects a donor splice site in intron 38 of the ATM gene. RNA analysis indicates that disruption of this splice site induces altered splicing and may result in an absent or altered protein product. This variant is not present in population databases (gnomAD no frequency). Disruption of this splice site has been observed in individual(s) with prostate cancer (PMID: 32923906). ClinVar contains an entry for this variant (Variation ID: 481271). Studies have shown that disruption of this splice site results in skipping of exon 38, and produces a non-functional protein and/or introduces a premature termination codon (internal data). For these reasons, this variant has been classified as Pathogenic.

Ambry Genetics
Classification: Likely pathogenic for Hereditary cancer-predisposing syndrome. Last evaluated: 2025-07-16. Review status: criteria provided, single submitter. Criteria: Ambry Variant Classification Scheme 2023. Collection method: clinical testing. Allele origin: germline.
Comment: The c.5762+1G>A intronic variant results from a G to A substitution one nucleotide after coding exon 37 of the ATM gene. This variant was identified in 1/317 men in a metastatic prostate cancer cohort undergoing hereditary cancer genetic testing (Boyle JL et al. JCO Precis Oncol, 2020 Mar;4:). This nucleotide position is highly conserved in available vertebrate species. In silico splice site analysis predicts that this alteration will weaken the native splice donor site. RNA studies have demonstrated that this alteration results in abnormal splicing in the set of samples tested (Ambry internal data). Alterations that disrupt the canonical splice site are expected to cause aberrant splicing, resulting in an abnormal protein or a transcript that is subject to nonsense-mediated mRNA decay. As such, this alteration is classified as likely pathogenic.

Center for Genomic Medicine, Rigshospitalet, Copenhagen University Hospital
Classification: Likely pathogenic. Last evaluated: 2025-03-04. Review status: criteria provided, single submitter. Criteria: ACMG Guidelines, 2015. Collection method: clinical testing. Allele origin: germline.

Department of Clinical Genetics, Copenhagen University Hospital, Rigshospitalet
Classification: Pathogenic for Familial cancer of breast; Ataxia-telangiectasia syndrome. Last evaluated: 2025-02-04. Review status: criteria provided, single submitter. Criteria: ACMG Guidelines, 2015. Collection method: clinical testing. Allele origin: germline.
Comment: PVS1, PM2_SUP, PM5_SUP

Myriad Genetics, Inc.
Classification: Likely pathogenic for Familial cancer of breast. Last evaluated: 2024-01-25. Review status: criteria provided, single submitter. Criteria: Myriad Autosomal Dominant, Autosomal Recessive and X-Linked Classification Criteria (2023). Collection method: clinical testing. Allele origin: unknown.
Comment: This variant is considered likely pathogenic. This variant occurs within a consensus splice junction and is predicted to result in abnormal mRNA splicing of either an out-of-frame exon or an in-frame exon necessary for protein stability and/or normal function.

GeneDx
Classification: Likely pathogenic. Last evaluated: 2022-10-27. Review status: criteria provided, single submitter. Criteria: GeneDx Variant Classification Process June 2021. Collection method: clinical testing. Allele origin: germline. Affected: yes.
Comment: Canonical splice site variant predicted to result in a null allele in a gene for which loss-of-function is a known mechanism of disease; Not observed at significant frequency in large population cohorts (gnomAD); This variant is associated with the following publications: (PMID: 32923906)

Baylor Genetics
Classification: Likely pathogenic for Familial cancer of breast. Last evaluated: 2022-05-26. Review status: criteria provided, single submitter. Criteria: ACMG Guidelines, 2015. Collection method: clinical testing. Allele origin: unknown.

Sema4
Classification: Likely pathogenic for Hereditary cancer-predisposing syndrome. Last evaluated: 2021-09-16. Review status: criteria provided, single submitter. Criteria: Sema4 Curation Guidelines. Collection method: curation. Allele origin: germline.
Comment: To the best of our knowledge, the ATM c.5762+1G>A variant has not been reported in individuals with ATM-related disease. This variant affects a nucleotide within a consensus splice site of an intron. This variant may cause exon skipping, intron retention or use of a cryptic splice site. It was not observed in the large and broad cohorts of the Genome Aggregation Database. The variant has been reported in ClinVar (Variation ID 481271). Based on the current evidence available, this variant is interpreted as likely pathogenic.

Literature cited by the submitters: PubMed 32923906 (cited by 3 submitters).